The following is an entry in ClinVar:

NM_001378477.3(NYX):c.437C>T (p.Pro146Leu)

Gene: NYX (nyctalopin; plus strand). Cytogenetic location: Xp11.4.
Variant type: single nucleotide variant.
Coding change: c.437C>T on transcript NM_001378477.3 (MANE Select); coding-DNA position 437, C replaced by T.
Protein change: p.Pro146Leu; replaces proline 146 with leucine.
Molecular consequence: missense variant.
Genome position (GRCh38, 1-based): chrX:41,473,905, C>T. VCF-style: chrX-41473905-C-T. GRCh37 (hg19) VCF-style: chrX-41333158-C-T.
Other names: c.437C>T, p.Pro146Leu (NM_022567.3); short protein forms P151L, P146L.
Identifiers: ClinVar variation 99832 (VCV000099832.4), dbSNP rs62637024, ClinGen allele CA227942.

ClinVar aggregate classification (germline): Uncertain significance. Review status: criteria provided, single submitter (1 of 4 stars). 2 submissions from 2 submitters: Uncertain significance (1). 1 of the submissions does not count toward it. Last evaluated 2023-05-14.

Submissions (2):

Labcorp Genetics (formerly Invitae), Labcorp
Classification: Uncertain significance. Last evaluated: 2023-05-14. Review status: criteria provided, single submitter. Criteria: Invitae Variant Classification Sherloc (09022015). Collection method: clinical testing. Allele origin: germline.
Comment: This sequence change replaces proline, which is neutral and non-polar, with leucine, which is neutral and non-polar, at codon 151 of the NYX protein (p.Pro151Leu). This variant is not present in population databases (gnomAD no frequency). In summary, the available evidence is currently insufficient to determine the role of this variant in disease. Therefore, it has been classified as a Variant of Uncertain Significance. Advanced modeling of protein sequence and biophysical properties (such as structural, functional, and spatial information, amino acid conservation, physicochemical variation, residue mobility, and thermodynamic stability) performed at Invitae indicates that this missense variant is not expected to disrupt NYX protein function. ClinVar contains an entry for this variant (Variation ID: 99832). This missense change has been observed in individual(s) with congenital stationary night blindness (PMID: 11062471).

Retina International
No classification provided. Review status: no classification provided. Collection method: not provided. Allele origin: not provided. Not counted in ClinVar's aggregate classification.

Literature cited by the submitters: PubMed 11062471 (cited by Labcorp Genetics (formerly Invitae), Labcorp).